The following is an entry in ClinVar:

ClinVar aggregate classification (germline): Uncertain significance (1 of 4 stars; one submission).

gnomAD v4.1: 9 of 1,611,032 alleles (0.00056%); highest among the groups gnomAD compares: East Asian, 0.0022%; no homozygotes.

Submission:

Dasa
Classification: Uncertain significance. Last evaluated: 2025-11-10. Review status: criteria provided, single submitter. Criteria: DASA Assertion Criteria. Collection method: clinical testing. Allele origin: germline.
Comment: NM_004667.6(HERC2):c.6178G>A (p.Ala2060Thr) is a missense variant that results in the substitution of alanine with threonine. This variant is rare in population databases. Computational prediction algorithms are consistent with a benign effect. The currently available literature and clinical evidence are not sufficient to establish a definitive association between this variant and the reported condition. Therefore, this variant is classified as a variant of uncertain significance.

NM_004667.6(HERC2):c.6178G>A (p.Ala2060Thr)

Gene: HERC2 (HECT and RLD domain containing E3 ubiquitin protein ligase 2; minus strand). Cytogenetic location: 15q13.1.
Variant type: single nucleotide variant.
Coding change: c.6178G>A on transcript NM_004667.6 (MANE Select); coding-DNA position 6178, G replaced by A.
Protein change: p.Ala2060Thr; replaces alanine 2060 with threonine.
Molecular consequence: missense variant.
Genome position (GRCh38, 1-based): chr15:28,215,653, C>T on the plus strand (G>A on the coding strand, the complement: HERC2 is on the minus strand). VCF-style: chr15-28215653-C-T. GRCh37 (hg19) VCF-style: chr15-28460799-C-T.
Other names: short protein forms A2060T.
Identifiers: ClinVar variation 4885894 (VCV004885894.2).